The following is an entry in ClinVar:

ClinVar aggregate classification (germline): Uncertain significance (1 of 4 stars; one submission).

Submission:

Labcorp Genetics (formerly Invitae), Labcorp
Classification: Uncertain significance. Last evaluated: 2025-11-04. Review status: criteria provided, single submitter. Criteria: Invitae Variant Classification Sherloc (09022015). Collection method: clinical testing. Allele origin: germline.
Comment: This sequence change replaces serine, which is neutral and polar, with phenylalanine, which is neutral and non-polar, at codon 643 of the TET2 protein (p.Ser643Phe). This variant is not present in population databases (gnomAD no frequency). This variant has not been reported in the literature in individuals affected with TET2-related conditions. An algorithm developed to predict the effect of missense changes on protein structure and function outputs the following: PolyPhen-2: "Benign". The phenylalanine amino acid residue is found in multiple mammalian species, which suggests that this missense change does not adversely affect protein function. In summary, the available evidence is currently insufficient to determine the role of this variant in disease. Therefore, it has been classified as a Variant of Uncertain Significance.

NM_001127208.3(TET2):c.1928C>T (p.Ser643Phe)

Genes: TET2 (tet methylcytosine dioxygenase 2; plus strand), TET2-AS1 (TET2 antisense RNA 1; minus strand). Cytogenetic location: 4q24.
Variant type: single nucleotide variant.
Coding change: c.1928C>T on transcript NM_001127208.3 (MANE Select); coding-DNA position 1928, C replaced by T.
Protein change: p.Ser643Phe; replaces serine 643 with phenylalanine.
Molecular consequence: missense variant.
Genome position (GRCh38, 1-based): chr4:105,235,870, C>T. VCF-style: chr4-105235870-C-T. GRCh37 (hg19) VCF-style: chr4-106157027-C-T.
Other names: c.1928C>T, p.Ser643Phe (NM_017628.4); short protein forms S643F.
Identifiers: ClinVar variation 4730466 (VCV004730466.1).